The following is an entry in ClinVar:

NM_138691.3(TMC1):c.2130-1del

Gene: TMC1 (transmembrane channel like 1; plus strand). Cytogenetic location: 9q21.13.
Variant type: Deletion.
Coding change: c.2130-1del on transcript NM_138691.3 (MANE Select); the canonical splice acceptor site of the intron before coding-DNA position 2130, one base deleted (G; older notation c.2130-1delG).
Molecular consequence: splice acceptor variant.
Genome position (GRCh38, 1-based): chr9:72,830,450, G deleted. VCF-style (leftmost placement, unchanged base first): chr9-72830449-AG-A. GRCh37 (hg19) VCF-style: chr9-75445365-AG-A.
Other names: c.2130-1delG (NM_138691.2).
Identifiers: ClinVar variation 503746 (VCV000503746.8), dbSNP rs1554731002, ClinGen allele CA658797214.

ClinVar aggregate classification (germline): Pathogenic. Review status: criteria provided, multiple submitters, no conflicts (2 of 4 stars). 2 submissions from 2 submitters: Pathogenic (2). Last evaluated 2025-06-17.

Allele frequency attached by ClinVar (database versions not stated): gnomAD exomes below 0.00001.

Submissions (2):

GeneDx
Classification: Pathogenic. Last evaluated: 2025-06-17. Review status: criteria provided, single submitter. Criteria: GeneDx Variant Classification Process June 2021. Collection method: clinical testing. Allele origin: germline. Affected: yes.
Comment: Canonical splice site variant predicted to result in a null allele in a gene for which loss of function is a known mechanism of disease; Not observed at significant frequency in large population cohorts (gnomAD); This variant is associated with the following publications: (PMID: 26850479, 26226137)

Labcorp Genetics (formerly Invitae), Labcorp
Classification: Pathogenic. Last evaluated: 2022-08-22. Review status: criteria provided, single submitter. Criteria: Invitae Variant Classification Sherloc (09022015). Collection method: clinical testing. Allele origin: germline.
Comment: For these reasons, this variant has been classified as Pathogenic. Algorithms developed to predict the effect of sequence changes on RNA splicing suggest that this variant may disrupt the consensus splice site. ClinVar contains an entry for this variant (Variation ID: 503746). Disruption of this splice site has been observed in individuals with autosomal recessive deafness (PMID: 26226137; Invitae). This variant is not present in population databases (gnomAD no frequency). This sequence change affects a splice site in intron 21 of the TMC1 gene. It is expected to disrupt RNA splicing. Variants that disrupt the donor or acceptor splice site typically lead to a loss of protein function (PMID: 16199547), and loss-of-function variants in TMC1 are known to be pathogenic (PMID: 11850618, 22105175).

Literature cited by the submitters: PubMed 26226137 (cited by Labcorp Genetics (formerly Invitae), Labcorp); PubMed 16199547 (cited by Labcorp Genetics (formerly Invitae), Labcorp); PubMed 11850618 (cited by Labcorp Genetics (formerly Invitae), Labcorp); PubMed 22105175 (cited by Labcorp Genetics (formerly Invitae), Labcorp).